The following is an entry in ClinVar:

NM_001079668.3(NKX2-1):c.713G>T (p.Trp238Leu)

Genes: NKX2-1 (NK2 homeobox 1; minus strand), SFTA3 (surfactant associated 3; minus strand). Cytogenetic location: 14q13.3.
Variant type: single nucleotide variant.
Coding change: c.713G>T on transcript NM_001079668.3 (MANE Select); coding-DNA position 713, G replaced by T.
Protein change: p.Trp238Leu; replaces tryptophan 238 with leucine.
Molecular consequence: missense variant.
Genome position (GRCh38, 1-based): chr14:36,517,771, C>A on the plus strand (G>T on the coding strand, the complement: NKX2-1 is on the minus strand). VCF-style: chr14-36517771-C-A. GRCh37 (hg19) VCF-style: chr14-36986976-C-A.
Other names: c.623G>T, p.Trp208Leu (NM_003317.4); short protein forms W238L, W208L.
Identifiers: ClinVar variation 8974 (VCV000008974.12), dbSNP rs28936672, ClinGen allele CA113772.
Genomic context (GRCh38, chr14:36,517,771, plus strand): 5'-TGCTGCTGCGCCGCCTTGTCCTTGGCCTGGCGCTTCATTTTGTAGCGGTGGTTCTGGAAC[C>A]AGATCTTGACCTGCGTGGGCGTCAGGTGGATCATGCTGGCCAGGTGCTCGCGCTCCGGCG-3'
Protein context (NP_001073136.1, residues 228-248): IHLTPTQVKI[Trp238Leu]FQNHRYKMKR

ClinVar aggregate classification (germline): Pathogenic/Likely pathogenic. Review status: criteria provided, multiple submitters, no conflicts (2 of 4 stars). 5 submissions from 5 submitters: Pathogenic (3); Likely pathogenic (1). 1 of the submissions does not count toward it. Last evaluated 2024-06-18.

Conditions:
NKX2-1-Related Disorders. Also called: NKX2-1-related disorder. Identifiers: MedGen CN381057.
Brain-lung-thyroid syndrome. Also called: Choreoathetosis, congenital hypothyroidism, and neonatal respiratory distress; Choreoathetosis, Congenital Hypothyroidism, and Neonatal Respiratory Distress Syndrome (Brain-Lung-Thyroid Syndrome); CHOREOATHETOSIS AND CONGENITAL HYPOTHYROIDISM WITH PULMONARY DYSFUNCTION. Identifiers: Orphanet 209905, MedGen C1970269, MONDO:0012593, OMIM 610978.
Benign hereditary chorea (BHC). Also called: Benign Hereditary Chorea (BHC); HEREDITARY PROGRESSIVE CHOREA WITHOUT DEMENTIA. Identifiers: Orphanet 1429, MedGen C0393584, MONDO:0021011, OMIM 118700.

Submissions (5):

3billion
Classification: Pathogenic for NKX2-1-related disorder. Last evaluated: 2024-06-18. Review status: criteria provided, single submitter. Criteria: ACMG Guidelines, 2015. Collection method: clinical testing. Allele origin: germline. Affected: yes.
Comment: The variant is not observed in the gnomAD v4.0.0 dataset. Predicted Consequence/Location: The variant is located in a mutational hot spot and/or well-established functional domain in which established pathogenic variants have been reported. In silico tool predictions suggest damaging effect of the variant on gene or gene product [REVEL: 0.97 (>=0.6, sensitivity 0.68 and specificity 0.92); 3Cnet: NA (>=0.6, sensitivity 0.72 and precision 0.9)]. The same nucleotide change resulting in the same amino acid change has been previously reported as pathogenic/likely pathogenic with strong evidence (ClinVar ID: VCV000008974 /PMID: 11971878). Different missense changes at the same codon (p.Trp238Cys, p.Trp238Ser) has been reported to be associated with NKX2-1 related disorder (ClinVar ID: VCV001685383 /PMID: 26723978, 34374102). Therefore, this variant is classified as Pathogenic according to the recommendation of ACMG/AMP guideline.

Labcorp Genetics (formerly Invitae), Labcorp
Classification: Pathogenic. Last evaluated: 2021-05-04. Review status: criteria provided, single submitter. Criteria: Invitae Variant Classification Sherloc (09022015). Collection method: clinical testing. Allele origin: germline.
Comment: This variant has been observed in individual(s) with benign hereditary chorea (PMID: 11971878). It has also been observed to segregate with disease in related individuals. ClinVar contains an entry for this variant (Variation ID: 8974). This sequence change replaces tryptophan with leucine at codon 238 of the NKX2-1 protein (p.Trp238Leu). The tryptophan residue is highly conserved and there is a small physicochemical difference between tryptophan and leucine. This variant is not present in population databases (ExAC no frequency). For these reasons, this variant has been classified as Pathogenic. Algorithms developed to predict the effect of missense changes on protein structure and function (SIFT, PolyPhen-2, Align-GVGD) all suggest that this variant is likely to be disruptive, but these predictions have not been confirmed by published functional studies and their clinical significance is uncertain.

GeneDx
Classification: Pathogenic. Last evaluated: 2016-05-25. Review status: criteria provided, single submitter. Criteria: GeneDx Variant Classification (06012015). Collection method: clinical testing. Allele origin: germline. Affected: yes.
Comment: The W238L pathogenic variant in the NKX2-1 gene has been reported to segregate with disease in a large family with benign hereditary chorea. The W238L variant was not found in unaffected family members, and was also absent from 200 control chromosomes from the general population (Breedveld et al., 2002). The W238L variant was not observed in approximately 6,500 individuals of European and African American ancestry in the NHLBI Exome Sequencing Project, indicating it is not a common benign variant in these populations. The W238L variant is a semi-conservative amino acid substitution, which may impact secondary protein structure as these residues differ in some properties. This substitution occurs within the functionally relevant homeobox DNA binding domain, at a position that is conserved across species. In silico analysis predicts this variant is probably damaging to the protein structure/function. Missense variants in nearby residues (V235F, I237F, I237M, Q240P, R243S, R243P) have been reported in the Human Gene Mutation Database in association with NKX2-1-related disorders (Stenson et al., 2014), supporting the functional importance of this region of the protein. Therefore, we interpret W238L as a pathogenic variant.

Molecular Diagnostics Lab, Nemours Children's Health, Delaware
Classification: Likely pathogenic for Brain-lung-thyroid syndrome. Last evaluated: 2016-04-11. Review status: criteria provided, single submitter. Criteria: ACMG Guidelines, 2015. Collection method: clinical testing. Allele origin: paternal, unknown. Inheritance: Autosomal dominant inheritance. Affected: yes. Observed: 2 heterozygotes. Clinical features observed: Motor delay (HP:0001270), Gait disturbance (HP:0001288), Hypotonia (HP:0001252). Segregation with disease observed.

OMIM
Classification: Pathogenic for CHOREA, BENIGN HEREDITARY. Last evaluated: 2002-04-15. Review status: no assertion criteria provided. Collection method: literature only. Allele origin: germline. Not counted in ClinVar's aggregate classification.

Literature cited by the submitters: PubMed 11971878 (cited by 4 submitters); PubMed 26723978 (cited by 3billion).